The following is an entry in ClinVar:

ClinVar aggregate classification (germline): Uncertain significance (1 of 4 stars; one submission).

Conditions:
Multiple endocrine neoplasia, type 1 (MEN1). Also called: MEA I; MEN I; WERMER SYNDROME; Endocrine adenomatosis multiple; MEN 1. Identifiers: Orphanet 652, MedGen C0025267, MeSH D018761, MONDO:0007540, OMIM 131100.

Submission:

Labcorp Genetics (formerly Invitae), Labcorp
Classification: Uncertain significance for Multiple endocrine neoplasia, type 1. Last evaluated: 2021-06-06. Review status: criteria provided, single submitter. Criteria: Invitae Variant Classification Sherloc (09022015). Collection method: clinical testing. Allele origin: germline.
Comment: This variant has not been reported in the literature in individuals with MEN1-related conditions. This variant is not present in population databases (ExAC no frequency). This sequence change replaces proline with arginine at codon 595 of the MEN1 protein (p.Pro595Arg). The proline residue is moderately conserved and there is a moderate physicochemical difference between proline and arginine. Advanced modeling of protein sequence and biophysical properties (such as structural, functional, and spatial information, amino acid conservation, physicochemical variation, residue mobility, and thermodynamic stability) performed at Invitae indicates that this missense variant is not expected to disrupt MEN1 protein function. In summary, the available evidence is currently insufficient to determine the role of this variant in disease. Therefore, it has been classified as a Variant of Uncertain Significance.

NM_001370259.2(MEN1):c.1784C>G (p.Pro595Arg)

Gene: MEN1 (menin 1; minus strand). Cytogenetic location: 11q13.1.
Variant type: single nucleotide variant.
Coding change: c.1784C>G on transcript NM_001370259.2 (MANE Select); coding-DNA position 1784, C replaced by G.
Protein change: p.Pro595Arg; replaces proline 595 with arginine.
Molecular consequence: missense variant.
Genome position (GRCh38, 1-based): chr11:64,804,383, G>C on the plus strand (C>G on the coding strand, the complement: MEN1 is on the minus strand). VCF-style: chr11-64804383-G-C. GRCh37 (hg19) VCF-style: chr11-64571855-G-C.
Other names: c.1799C>G, p.Pro600Arg (NM_000244.4, NM_130800.3, NM_130801.3 and 3 more transcripts); c.1910C>G, p.Pro637Arg (NM_001370251.2); c.1784C>G, p.Pro595Arg (NM_001370260.2, NM_001370261.2, NM_130799.3); c.1679C>G, p.Pro560Arg (NM_001370262.2, NM_001370263.2); short protein forms P560R, P595R, P600R, P637R.
Identifiers: ClinVar variation 1359596 (VCV001359596.8), dbSNP rs2136077699, ClinGen allele CA381177303.
Genomic context (GRCh38, chr11:64,804,383, plus strand): 5'-TCCCCAGTAGTTCAGAGGCCTTTGCGCTGCCGCTTGAGGAAAGACAGAGTGTAGTCACTA[G>C]GGGTGGACACTTTCTGCTTCTTCATCTGCACTTGCGACTGTGCCGTGAGTTGCAGCTTGA-3'
Protein context (NP_001357188.2, residues 585-605): VQMKKQKVST[Pro595Arg]SDYTLSFLKR